The following is an entry in ClinVar:

NM_015338.6(ASXL1):c.712G>A (p.Ala238Thr)

Gene: ASXL1 (ASXL transcriptional regulator 1; plus strand). Cytogenetic location: 20q11.21.
Variant type: single nucleotide variant.
Coding change: c.712G>A on transcript NM_015338.6 (MANE Select); coding-DNA position 712, G replaced by A.
Protein change: p.Ala238Thr; replaces alanine 238 with threonine.
Molecular consequence: missense variant. On other transcripts: intron variant (1).
Genome position (GRCh38, 1-based): chr20:32,430,047, G>A. VCF-style: chr20-32430047-G-A. GRCh37 (hg19) VCF-style: chr20-31017850-G-A.
Other names: c.535+616G>A (NM_001363734.1); short protein forms A238T.
Identifiers: ClinVar variation 3794310 (VCV003794310.1).

ClinVar aggregate classification (germline): Uncertain significance (1 of 4 stars; one submission).

Conditions:
Inborn genetic diseases. Identifiers: MedGen C0950123, MeSH D030342.

gnomAD v4.1: 1 of 1,604,708 alleles (0.000062%); no homozygotes.

Submission:

Ambry Genetics
Classification: Uncertain significance for Inborn genetic diseases. Last evaluated: 2025-03-10. Review status: criteria provided, single submitter. Criteria: Ambry Variant Classification Scheme 2023. Collection method: clinical testing. Allele origin: germline.
Comment: The p.A238T variant (also known as c.712G>A), located in coding exon 8 of the ASXL1 gene, results from a G to A substitution at nucleotide position 712. The alanine at codon 238 is replaced by threonine, an amino acid with similar properties. This amino acid position is conserved. In addition, this alteration is predicted to be tolerated by in silico analysis. Based on the available evidence, the clinical significance of this variant remains unclear.